The following is an entry in ClinVar:

NM_206933.4(USH2A):c.7915T>C (p.Ser2639Pro)

Gene: USH2A (usherin; minus strand). Cytogenetic location: 1q41.
Variant type: single nucleotide variant.
Coding change: c.7915T>C on transcript NM_206933.4 (MANE Select); coding-DNA position 7915, T replaced by C.
Protein change: p.Ser2639Pro; replaces serine 2639 with proline.
Molecular consequence: missense variant.
Genome position (GRCh38, 1-based): chr1:215,888,734, A>G on the plus strand (T>C on the coding strand, the complement: USH2A is on the minus strand). VCF-style: chr1-215888734-A-G. GRCh37 (hg19) VCF-style: chr1-216062076-A-G.
Other names: short protein forms S2639P.
Identifiers: ClinVar variation 96667 (VCV000096667.15), dbSNP rs398124620, ClinGen allele CA224400.
Genomic context (GRCh38, chr1:215,888,734, plus strand): 5'-TTGTGAAATTCTCCACCAAGCCATTGGGGTGGGTAGGGGGTTGCCAAGATATAATCACAG[A>G]TGTTGGAGTATCAGAGAACAGCTCTGGACTTGGGATCCCTTCCGGTGCCCCTGGGAGTGT-3'
Protein context (NP_996816.3, residues 2629-2649): SPELFSDTPT[Ser2639Pro]VIISWQPPTH

ClinVar aggregate classification (germline): Conflicting classifications of pathogenicity. Review status: criteria provided, conflicting classifications (1 of 4 stars). 7 submissions from 7 submitters: Pathogenic (2); Likely pathogenic (3); Uncertain significance (2). Last evaluated 2025-07-31.

Conditions:
Usher syndrome. Also called: Usher Syndromes; Usher's syndrome. Identifiers: Orphanet 886, MedGen CN469326, MeSH D052245, MONDO:0019501. Disease mechanism: loss of function.
USH2A-related disorder. Also called: USH2A-related disorders; USH2A-related condition. Identifiers: MedGen CN239332.
Retinitis pigmentosa (RP). Identifiers: Orphanet 791, MedGen C0035334, MeSH D012174, MONDO:0019200, OMIM 268000. Inheritance: Autosomal dominant, autosomal recessive and X linked inheritance.
Usher syndrome type 2A. Also called: USHER SYNDROME, TYPE IIA; RETINAL DISEASE IN USHER SYNDROME TYPE IIA, MODIFIER OF. Identifiers: Orphanet 231178, Orphanet 886, MedGen C1848634, MONDO:0010169, OMIM 276901.
Retinitis pigmentosa 39 (RP39). Identifiers: Orphanet 791, MedGen C3151138, MONDO:0013436, OMIM 613809.

Allele frequency attached by ClinVar (database versions not stated): ExAC 0.00001; TOPMed 0.00002.
gnomAD v4.1: 2 of 1,614,058 alleles (0.00012%); highest among the groups gnomAD compares: Non-Finnish European, 0.00017%; no homozygotes.

Submissions (7):

Labcorp Genetics (formerly Invitae), Labcorp
Classification: Pathogenic. Last evaluated: 2025-07-31. Review status: criteria provided, single submitter. Criteria: Invitae Variant Classification Sherloc (09022015). Collection method: clinical testing. Allele origin: germline.
Comment: This sequence change replaces serine, which is neutral and polar, with proline, which is neutral and non-polar, at codon 2639 of the USH2A protein (p.Ser2639Pro). This variant is present in population databases (rs398124620, gnomAD 0.002%). This missense change has been observed in individual(s) with USH2A-related conditions (PMID: 27460420, 33576794, 34148116). In at least one individual the data is consistent with being in trans (on the opposite chromosome) from a pathogenic variant. ClinVar contains an entry for this variant (Variation ID: 96667). Invitae Evidence Modeling of protein sequence and biophysical properties (such as structural, functional, and spatial information, amino acid conservation, physicochemical variation, residue mobility, and thermodynamic stability) has been performed for this missense variant. However, the output from this modeling did not meet the statistical confidence thresholds required to predict the impact of this variant on USH2A protein function. For these reasons, this variant has been classified as Pathogenic.

Natera, Inc.
Classification: Likely pathogenic for Usher syndrome type 2A. Last evaluated: 2025-03-11. Review status: criteria provided, single submitter. Criteria: Natera Variant Classification Schema (03/2026). Collection method: clinical testing. Allele origin: germline.
Comment: The c.7915T>C variant in USH2A is a missense variant predicted to cause substitution of serine to proline at amino acid 2639. This variant is rare in the general population with a frequency below the threshold expected for the associated phenotype(s). This variant has been observed in one or more individuals affected with the associated recessive disease, as either homozygous or compound heterozygous with a second variant (PMID: 27460420, 34781295, 38576124, 34148116). Computational prediction algorithms indicate this variant is likely to affect gene or protein function. Given the available evidence, this variant is classified as Likely Pathogenic.

Blueprint Genetics
Classification: Pathogenic for USH2A-related disorders. Last evaluated: 2024-06-14. Review status: criteria provided, single submitter. Criteria: ACMG Guidelines, 2015. Collection method: clinical testing. Allele origin: germline. Affected: yes. Observed: 4 variant alleles.

Fulgent Genetics
Classification: Likely pathogenic for Usher syndrome type 2A; Retinitis pigmentosa 39. Last evaluated: 2024-01-09. Review status: criteria provided, single submitter. Criteria: ACMG Guidelines, 2015. Collection method: clinical testing. Allele origin: germline.

Women's Health and Genetics/Laboratory Corporation of America, LabCorp
Classification: Likely pathogenic for Usher syndrome. Last evaluated: 2023-04-05. Review status: criteria provided, single submitter. Criteria: LabCorp Variant Classification Summary - May 2015. Collection method: clinical testing. Allele origin: germline.
Comment: Variant summary: USH2A c.7915T>C (p.Ser2639Pro) results in a non-conservative amino acid change located in the Fibronectin type III (IPR003961) of the encoded protein sequence. Four of five in-silico tools predict a damaging effect of the variant on protein function. The variant allele was found at a frequency of 8e-06 in 251098 control chromosomes (gnomAD). c.7915T>C has been reported in the literature as a biallelic genotype in multiple individuals affected with Usher Syndrome or Retinitis Pigmentosa (e.g. Bonnet_2016, Colombo_2021, Bahena_2022). These data indicate that the variant is likely to be associated with disease. To our knowledge, no experimental evidence demonstrating an impact on protein function has been reported. Two ClinVar submitters have assessed the variant since 2014: one classified the variant as uncertain significance and one as likely pathogenic. Based on the evidence outlined above, the variant was classified as likely pathogenic.

Broad Center for Mendelian Genomics, Broad Institute of MIT and Harvard
Classification: Uncertain significance for Retinitis pigmentosa. Last evaluated: 2021-04-01. Review status: criteria provided, single submitter. Criteria: ACMG Guidelines, 2015. Collection method: curation. Allele origin: germline. Inheritance: Autosomal recessive inheritance. Affected: yes.
Comment: Through a review of available evidence we were able to apply the following criteria: PM2, PP3, PM3-P. Based on this evidence we have classified this variant as a Variant of Uncertain Significance. If you have any questions about the classification please reach out to the Pierce Lab.

Eurofins Ntd Llc (ga)
Classification: Uncertain significance. Last evaluated: 2013-10-21. Review status: criteria provided, single submitter. Criteria: EGL Classification Definitions 2015. Collection method: clinical testing. Allele origin: germline. Observed: 1 variant allele, 1 heterozygote.

Literature cited by the submitters: PubMed 27460420 (cited by 4 submitters); PubMed 33576794 (cited by Labcorp Genetics (formerly Invitae), Labcorp and Women's Health and Genetics/Laboratory Corporation of America, LabCorp); PubMed 34148116 (cited by 3 submitters); PubMed 34781295 (cited by Natera, Inc. and Women's Health and Genetics/Laboratory Corporation of America, LabCorp); PubMed 38576124 (cited by Natera, Inc.); PubMed 22004887 (cited by Women's Health and Genetics/Laboratory Corporation of America, LabCorp); PubMed 20507924 (cited by Women's Health and Genetics/Laboratory Corporation of America, LabCorp); PubMed 32483926 (cited by Women's Health and Genetics/Laboratory Corporation of America, LabCorp); PubMed 34906470 (cited by Broad Center for Mendelian Genomics, Broad Institute of MIT and Harvard).